The following is an entry in ClinVar:

NM_001267550.2(TTN):c.33267A>G (p.Lys11089=)

Gene: TTN (titin; minus strand). Cytogenetic location: 2q31.2.
Variant type: single nucleotide variant.
Coding change: c.33267A>G on transcript NM_001267550.2 (MANE Select); coding-DNA position 33267, A replaced by G.
Protein change: p.Lys11089=; no amino-acid change (lysine 11089 retained).
Molecular consequence: synonymous variant. On other transcripts: intron variant (3).
Genome position (GRCh38, 1-based): chr2:178,681,152, T>C on the plus strand (A>G on the coding strand, the complement: TTN is on the minus strand). VCF-style: chr2-178681152-T-C. GRCh37 (hg19) VCF-style: chr2-179545879-T-C.
Other names: c.32316A>G, p.Lys10772= (NM_001256850.1); c.29535A>G, p.Lys9845= (NM_133378.4); c.13283-38835A>G (NM_003319.4); c.13859-38835A>G (NM_133437.4); c.13658-38835A>G (NM_133432.3).
Identifiers: ClinVar variation 194302 (VCV000194302.14), dbSNP rs748320500, ClinGen allele CA240204.
Genomic context (GRCh38, chr2:178,681,152, plus strand): 5'-TTCAGTCACCTGCTCTTTTTCACGTTTGGTAATTGAAATACGTATTTTTTCCTCAAAAAC[T>C]TTCTTTGGTTCTTCAGGCACTTTAAAGATATTAATTATTAAAGAGCATTAAAACCAACTC-3'
Protein context (NP_001254479.2, residues 11079-11099): PPPKVPEEPK[Lys11089=]VFEEKIRISI

ClinVar aggregate classification (germline): Conflicting classifications of pathogenicity. Review status: criteria provided, conflicting classifications (1 of 4 stars). 3 submissions from 3 submitters: Uncertain significance (1); Likely benign (2). Last evaluated 2026-09-01.

Conditions:
Autosomal recessive limb-girdle muscular dystrophy type 2J (LGMDR10). Also called: Limb-girdle muscular dystrophy, type 2J; MUSCULAR DYSTROPHY, LIMB-GIRDLE, AUTOSOMAL RECESSIVE 10. Identifiers: Orphanet 140922, MedGen C1837342, MONDO:0012127, OMIM 608807.
Dilated cardiomyopathy 1G (CMD1G). Identifiers: Orphanet 154, MedGen C1858763, MONDO:0011400, OMIM 604145.

Allele frequency attached by ClinVar (database versions not stated): TOPMed below 0.00001; gnomAD 0.00001; gnomAD exomes 0.00001; ExAC 0.00002.
gnomAD v4.1: 5 of 1,602,694 alleles (0.00031%); highest among the groups gnomAD compares: Non-Finnish European, 0.00042%; no homozygotes.

Submissions (3):

CeGaT Center for Human Genetics Tuebingen
Classification: Likely benign. Last evaluated: 2026-09-01. Review status: criteria provided, single submitter. Criteria: CeGaT Center For Human Genetics Tuebingen Variant Classification Criteria Version 2. Collection method: clinical testing. Allele origin: germline. Affected: yes. Observed: 1 variant allele.
Comment: TTN: BP4, BP7

Labcorp Genetics (formerly Invitae), Labcorp
Classification: Likely benign for Dilated cardiomyopathy 1G; Autosomal recessive limb-girdle muscular dystrophy type 2J. Last evaluated: 2022-11-15. Review status: criteria provided, single submitter. Criteria: Invitae Variant Classification Sherloc (09022015). Collection method: clinical testing. Allele origin: germline.

Eurofins Ntd Llc (ga)
Classification: Uncertain significance. Last evaluated: 2014-12-16. Review status: criteria provided, single submitter. Criteria: EGL Classification Definitions 2015. Collection method: clinical testing. Allele origin: germline. Observed: 1 variant allele, 1 heterozygote.